The following is an entry in ClinVar:

NM_019066.5(MAGEL2):c.98del (p.Pro33fs)

Gene: MAGEL2 (MAGE family member L2; minus strand). Cytogenetic location: 15q11.2.
Variant type: Deletion.
Coding change: c.98del on transcript NM_019066.5 (MANE Select); coding-DNA position 98, one base deleted (C; older notation c.98delC).
Protein change: p.Pro33fs; shifts the reading frame from proline 33.
Molecular consequence: frameshift variant.
Genome position (GRCh38, 1-based): chr15:23,647,645, G deleted on the plus strand (C on the coding strand, the reverse complement: MAGEL2 is on the minus strand); the first of 4 consecutive G bases (chr15:23,647,645-23,647,648); deleting any one gives the same sequence. VCF-style (leftmost placement, unchanged base first): chr15-23647644-CG-C. GRCh37 (hg19) VCF-style: chr15-23892791-CG-C.
Other names: short protein forms P33fs.
Identifiers: ClinVar variation 4888047 (VCV004888047.1).
Genomic context (GRCh38, chr15:23,647,644, plus strand): 5'-AGCCTGCAAGTCAATTGGAGGTGGATCCCAAGGGACTGGCGGAGCCCGGGAGGAAGCGGG[CG>C]GGGCCCGCATCAGAACCGTAGGGCGGCTATAGACAGGCGGCTTCGGGGCCTCCGCCGGAG-3'

ClinVar aggregate classification (germline): Likely pathogenic (1 of 4 stars; one submission).

Submission:

GeneDx
Classification: Likely pathogenic. Last evaluated: 2026-01-22. Review status: criteria provided, single submitter. Criteria: GeneDx Variant Classification Process June 2021. Collection method: clinical testing. Allele origin: germline.
Comment: Frameshift variant predicted to result in abnormal protein length as the last 1217 amino acid(s) are replaced with 46 different amino acid(s), and other similar variants have been reported in HGMD; Has not been previously published as pathogenic or benign to our knowledge; Not observed at significant frequency in large population cohorts (gnomAD)